The following is an entry in ClinVar:

NM_002187.3(IL12B):c.937C>T (p.Arg313Cys)

Gene: IL12B (interleukin 12B; minus strand). Cytogenetic location: 5q33.3.
Variant type: single nucleotide variant.
Coding change: c.937C>T on transcript NM_002187.3 (MANE Select); coding-DNA position 937, C replaced by T.
Protein change: p.Arg313Cys; replaces arginine 313 with cysteine.
Molecular consequence: missense variant.
Genome position (GRCh38, 1-based): chr5:159,316,735, G>A on the plus strand (C>T on the coding strand, the complement: IL12B is on the minus strand). VCF-style: chr5-159316735-G-A. GRCh37 (hg19) VCF-style: chr5-158743743-G-A.
Other names: short protein forms R313C.
Identifiers: ClinVar variation 940657 (VCV000940657.8), dbSNP rs371280399, ClinGen allele CA3538661.

ClinVar aggregate classification (germline): Uncertain significance. Review status: criteria provided, multiple submitters, no conflicts (2 of 4 stars). 3 submissions from 3 submitters: Uncertain significance (3). Last evaluated 2022-11-11.

Conditions:
Mendelian susceptibility to mycobacterial diseases due to complete IL12B deficiency. Also called: Immunodeficiency 29; IL12B DEFICIENCY. Identifiers: Orphanet 319558, MedGen C4013948, MONDO:0013954, OMIM 614890.
Inborn genetic diseases. Identifiers: MedGen C0950123, MeSH D030342.

Allele frequency attached by ClinVar (database versions not stated): ExAC 0.00002; gnomAD 0.00002 and 0.00003; TOPMed 0.00003; gnomAD exomes 0.00004; ESP Exome Variant Server 0.00008.

Submissions (3):

Blueprint Genetics
Classification: Uncertain significance. Last evaluated: 2022-11-11. Review status: criteria provided, single submitter. Criteria: ACMG Guidelines, 2015. Collection method: clinical testing. Allele origin: germline.

Labcorp Genetics (formerly Invitae), Labcorp
Classification: Uncertain significance for Mendelian susceptibility to mycobacterial diseases due to complete IL12B deficiency. Last evaluated: 2021-08-31. Review status: criteria provided, single submitter. Criteria: Invitae Variant Classification Sherloc (09022015). Collection method: clinical testing. Allele origin: germline.
Comment: This sequence change replaces arginine with cysteine at codon 313 of the IL12B protein (p.Arg313Cys). The arginine residue is moderately conserved and there is a large physicochemical difference between arginine and cysteine. This variant is present in population databases (rs371280399, ExAC 0.01%). This variant has not been reported in the literature in individuals affected with IL12B-related conditions. Algorithms developed to predict the effect of missense changes on protein structure and function (SIFT, PolyPhen-2, Align-GVGD) all suggest that this variant is likely to be tolerated. In summary, the available evidence is currently insufficient to determine the role of this variant in disease. Therefore, it has been classified as a Variant of Uncertain Significance.

Ambry Genetics
Classification: Uncertain significance for Inborn genetic diseases. Last evaluated: 2021-07-13. Review status: criteria provided, single submitter. Criteria: Ambry Variant Classification Scheme 2023. Collection method: clinical testing. Allele origin: germline.